The following is an entry in ClinVar:

NM_000090.4(COL3A1):c.2022G>A (p.Lys674=)

Gene: COL3A1 (collagen type III alpha 1 chain; plus strand). Cytogenetic location: 2q32.2.
Variant type: single nucleotide variant.
Coding change: c.2022G>A on transcript NM_000090.4 (MANE Select); coding-DNA position 2022, G replaced by A.
Protein change: p.Lys674=; no amino-acid change (lysine 674 retained).
Molecular consequence: synonymous variant.
Genome position (GRCh38, 1-based): chr2:188,998,718, G>A. VCF-style: chr2-188998718-G-A. GRCh37 (hg19) VCF-style: chr2-189863444-G-A.
Other names: NP_000081.1:p.Gly660_Lys674del.
Identifiers: ClinVar variation 101376 (VCV000101376.3), dbSNP rs587779643, ClinGen allele CA004883.

ClinVar aggregate classification (germline): Likely pathogenic. Review status: criteria provided, single submitter (1 of 4 stars). 2 submissions from 2 submitters: Likely pathogenic (1). 1 of the submissions does not count toward it. Last evaluated 2026-04-21.

Conditions:
Familial thoracic aortic aneurysm and aortic dissection (TAAD). Also called: Thoracic aortic aneurysms and dissections. Identifiers: Orphanet 91387, MedGen C4707243, MONDO:0019625.
Ehlers-Danlos syndrome, type 4 (EDSVASC). Also called: Ehlers-Danlos syndrome vascular type; Ehlers Danlos syndrome, ecchymotic type; Ehlers Danlos syndrome, arterial type; Ehlers Danlos syndrome, Sack-Barabas type; Ehlers-Danlos Syndrome Type IV. Identifiers: Orphanet 286, MedGen C0268338, MONDO:0017314, OMIM 130050.

Submissions (2):

Ambry Genetics
Classification: Likely pathogenic for Familial thoracic aortic aneurysm and aortic dissection. Last evaluated: 2026-04-21. Review status: criteria provided, single submitter. Criteria: Ambry Variant Classification Scheme 2023. Collection method: clinical testing. Allele origin: germline.
Comment: The c.2022G>A variant (also known as p.K674K), located in coding exon 29 of the COL3A1 gene, results from a G to A substitution at nucleotide position 2022. This nucleotide substitution does not change the amino acid at codon 674. However, this change occurs in the last base pair of coding exon 29, which makes it likely to have some effect on normal mRNA splicing. This variant was reported in individual(s) with features consistent with COL3A1-related Ehlers-Danlos syndrome; in at least one individual, it was determined to be de novo (Schwarze U et al. Am J Hum Genet, 1997 Dec;61:1276-86; Legrand A et al. Genet Med, 2019 Jul;21:1568-1575). RNA studies have demonstrated that this variant results in abnormal splicing (Schwarze U et al. Am J Hum Genet, 1997 Dec;61:1276-86). This variant is considered to be rare based on population cohorts in the Genome Aggregation Database (gnomAD). This nucleotide position is well conserved in available vertebrate species. In silico splice site analysis predicts that this alteration will weaken the native splice donor site. Based on the majority of available evidence to date, this variant is likely to be pathogenic.

Collagen Diagnostic Laboratory, University of Washington
Classification: Pathogenic for Ehlers-Danlos syndrome, type 4. Review status: no assertion criteria provided. Collection method: clinical testing. Allele origin: germline. Affected: yes. Not counted in ClinVar's aggregate classification.

Literature cited by the submitters: PubMed 30474650 (cited by Ambry Genetics); PubMed 9399899 (cited by Ambry Genetics and Collagen Diagnostic Laboratory, University of Washington); PubMed 10706896 (cited by Collagen Diagnostic Laboratory, University of Washington).